The following is an entry in ClinVar:

ClinVar aggregate classification (germline): Uncertain significance (1 of 4 stars; one submission).

Conditions:
Aicardi-Goutieres syndrome 5. Identifiers: Orphanet 51, MedGen C2749659, MONDO:0013059, OMIM 612952.

Allele frequency attached by ClinVar (database versions not stated): gnomAD 0.00001; ExAC 0.00002; gnomAD exomes 0.00002; TOPMed 0.00002.
gnomAD v4.1: 19 of 1,602,332 alleles (0.0012%); highest among the groups gnomAD compares: East Asian, 0.013%; no homozygotes.

Submission:

Labcorp Genetics (formerly Invitae), Labcorp
Classification: Uncertain significance for Aicardi-Goutieres syndrome 5. Last evaluated: 2021-09-24. Review status: criteria provided, single submitter. Criteria: Invitae Variant Classification Sherloc (09022015). Collection method: clinical testing. Allele origin: germline.
Comment: This sequence change affects codon 208 of the SAMHD1 mRNA. It is a 'silent' change, meaning that it does not change the encoded amino acid sequence of the SAMHD1 protein. This variant is present in population databases (rs764763884, ExAC 0.001%). This variant has not been reported in the literature in individuals with SAMHD1-related conditions. Algorithms developed to predict the effect of sequence changes on RNA splicing suggest that this variant is not likely to affect RNA splicing, but this prediction has not been confirmed by published transcriptional studies. In summary, the available evidence is currently insufficient to determine the role of this variant in disease. Therefore, it has been classified as a Variant of Uncertain Significance.

NM_015474.4(SAMHD1):c.624C>T (p.Leu208=)

Gene: SAMHD1 (SAM and HD domain containing deoxynucleoside triphosphate triphosphohydrolase 1; minus strand). Cytogenetic location: 20q11.23.
Variant type: single nucleotide variant.
Coding change: c.624C>T on transcript NM_015474.4 (MANE Select); coding-DNA position 624, C replaced by T.
Protein change: p.Leu208=; no amino-acid change (leucine 208 retained).
Molecular consequence: synonymous variant.
Genome position (GRCh38, 1-based): chr20:36,930,761, G>A on the plus strand (C>T on the coding strand, the complement: SAMHD1 is on the minus strand). VCF-style: chr20-36930761-G-A. GRCh37 (hg19) VCF-style: chr20-35559164-G-A.
Other names: c.624C>T, p.Leu208= (NM_001363729.2, NM_001363733.2).
Identifiers: ClinVar variation 1438599 (VCV001438599.5), dbSNP rs764763884, ClinGen allele CA9844701.